The following is an entry in ClinVar:

ClinVar aggregate classification (germline): Pathogenic/Likely pathogenic. Review status: criteria provided, multiple submitters, no conflicts (2 of 4 stars). 3 submissions from 3 submitters: Pathogenic (1); Likely pathogenic (2). Last evaluated 2024-05-15.

Conditions:
Bardet-Biedl syndrome 2 (BBS2). Identifiers: Orphanet 110, MedGen C2936863, MONDO:0014432, OMIM 615981.
Bardet-Biedl syndrome (BBS). Identifiers: Orphanet 110, MedGen C0752166, MONDO:0015229.

Submissions (3):

Natera, Inc.
Classification: Likely pathogenic for Bardet-Biedl syndrome type 2. Last evaluated: 2024-05-15. Review status: criteria provided, single submitter. Criteria: Natera Variant Classification Schema (03/2026). Collection method: clinical testing. Allele origin: germline.
Comment: The c.1310_1344del variant in BBS2 is a frameshift variant predicted to shift the reading frame beginning at codon 437 and leads to a stop codon 25 codons downstream. This variant is expected to result in nonsense mediated decay, truncation, or a dysfunctional protein product. This variant is rare in the general population with a frequency below the threshold expected for the associated phenotype(s). Given the available evidence, this variant is classified as Likely Pathogenic.

Labcorp Genetics (formerly Invitae), Labcorp
Classification: Pathogenic for Bardet-Biedl syndrome. Last evaluated: 2023-02-11. Review status: criteria provided, single submitter. Criteria: Invitae Variant Classification Sherloc (09022015). Collection method: clinical testing. Allele origin: germline.
Comment: For these reasons, this variant has been classified as Pathogenic. This variant has not been reported in the literature in individuals affected with BBS2-related conditions. This variant is not present in population databases (gnomAD no frequency). This sequence change creates a premature translational stop signal (p.Leu437Glnfs*25) in the BBS2 gene. It is expected to result in an absent or disrupted protein product. Loss-of-function variants in BBS2 are known to be pathogenic (PMID: 11285252, 20177705, 24608809, 26518167).

Baylor Genetics
Classification: Likely pathogenic for Bardet-Biedl syndrome 2. Last evaluated: 2022-10-15. Review status: criteria provided, single submitter. Criteria: ACMG Guidelines, 2015. Collection method: clinical testing. Allele origin: unknown.

Literature cited by the submitters: PubMed 11285252 (cited by Labcorp Genetics (formerly Invitae), Labcorp); PubMed 20177705 (cited by Labcorp Genetics (formerly Invitae), Labcorp); PubMed 24608809 (cited by Labcorp Genetics (formerly Invitae), Labcorp); PubMed 26518167 (cited by Labcorp Genetics (formerly Invitae), Labcorp).

NM_031885.5(BBS2):c.1310_1344del (p.Leu437fs)

Gene: BBS2 (Bardet-Biedl syndrome 2; minus strand). Cytogenetic location: 16q13.
Variant type: Deletion.
Coding change: c.1310_1344del on transcript NM_031885.5 (MANE Select); coding-DNA positions 1310 to 1344, 35 bases deleted.
Protein change: p.Leu437fs; shifts the reading frame from leucine 437.
Molecular consequence: frameshift variant. On other transcripts: non-coding transcript variant (2).
Genome position (GRCh38, 1-based): chr16:56,500,907-56,500,941, 35 bases deleted; deleting any 35 consecutive bases within chr16:56,500,907-56,500,943 gives the same sequence; the c. name uses the placement nearest the transcript's 3' end. GRCh37 (hg19): chr16:56,534,821-56,534,855.
Other names: c.1310_1344del, p.Leu437fs (NM_001377456.1); c.1310_1344del (NM_031885.3); short protein forms L437fs.
Identifiers: ClinVar variation 2680024 (VCV002680024.5), dbSNP rs2543707585, ClinGen allele CA2695197654.
Genomic context (GRCh38, chr16:56,500,906, plus strand): 5'-AGGGTCACCTGCTTCTGTAACCCACGAATGCCTTCAAGTGCAGATCCACAGGGACATCTT[TGGGAGGCACAATAGGGATGCAGATGGAACTGGAGA>T]GGTTGTGAATGCTGGGATGTACCACGTGGCTTTCACCTGTAAAAATTCCTTCTGCAAAAA-3'